The following is an entry in ClinVar:

NM_001267550.2(TTN):c.50059A>G (p.Ile16687Val)

Genes: TTN (titin; minus strand), TTN-AS1 (TTN antisense RNA 1; plus strand). Cytogenetic location: 2q31.2.
Variant type: single nucleotide variant.
Coding change: c.50059A>G on transcript NM_001267550.2 (MANE Select); coding-DNA position 50059, A replaced by G.
Protein change: p.Ile16687Val; replaces isoleucine 16687 with valine.
Molecular consequence: missense variant.
Genome position (GRCh38, 1-based): chr2:178,612,466, T>C on the plus strand (A>G on the coding strand, the complement: TTN is on the minus strand). VCF-style: chr2-178612466-T-C. GRCh37 (hg19) VCF-style: chr2-179477193-T-C.
Other names: c.45136A>G, p.Ile15046Val (NM_001256850.1); c.22864A>G, p.Ile7622Val (NM_003319.4); c.23239A>G, p.Ile7747Val (NM_133432.3); c.23440A>G, p.Ile7814Val (NM_133437.4); short protein forms I16687V, I15046V, I7814V, I7622V, I7747V.
Identifiers: ClinVar variation 167781 (VCV000167781.10), dbSNP rs727504194, ClinGen allele CA235108.
Genomic context (GRCh38, chr2:178,612,466, plus strand): 5'-CCTTGACAGTGGTATCCACTGTTTGCCAGCCTTTTCGCCTGACGTCTCTCTTTTCCACAA[T>C]GTAGTTGGTGATGGGGGACCCTCCATCTTTCTCAGGAACTGTCCATTTTAGGTCTGCTGT-3'
Protein context (NP_001254479.2, residues 16677-16697): KDGGSPITNY[Ile16687Val]VEKRDVRRKG

ClinVar aggregate classification (germline): Conflicting classifications of pathogenicity. Review status: criteria provided, conflicting classifications (1 of 4 stars). 3 submissions from 3 submitters: Uncertain significance (1); Likely benign (1). 1 of the submissions does not count toward it. Last evaluated 2018-05-14.

Conditions:
TTN-related disorder. Also called: TTN-related disorders; TTN-related condition; TTN-related disease.

Allele frequency attached by ClinVar (database versions not stated): ExAC 0.00001; gnomAD exomes 0.00002 and 0.00007; gnomAD 0.00013 and 0.00014; TOPMed 0.00020.
gnomAD v4.1: 44 of 1,612,240 alleles (0.0027%); highest among the groups gnomAD compares: Admixed American, 0.072%; no homozygotes.

Submissions (3):

GeneDx
Classification: Likely benign. Last evaluated: 2018-05-14. Review status: criteria provided, single submitter. Criteria: GeneDx Variant Classification Process June 2021. Collection method: clinical testing. Allele origin: germline. Affected: yes.

Eurofins Ntd Llc (ga)
Classification: Uncertain significance. Last evaluated: 2014-04-17. Review status: criteria provided, single submitter. Criteria: EGL Classification Definitions 2015. Collection method: clinical testing. Allele origin: germline. Observed: 1 variant allele, 1 heterozygote.

PreventionGenetics, part of Exact Sciences
Classification: Uncertain significance for TTN-related condition. Last evaluated: 2024-02-14. Review status: no assertion criteria provided. Collection method: clinical testing. Allele origin: germline. Not counted in ClinVar's aggregate classification.
Comment: The TTN c.50059A>G variant is predicted to result in the amino acid substitution p.Ile16687Val. To our knowledge, this variant has not been reported in the literature. This variant is reported in 0.050% of alleles in individuals of Latino descent in gnomAD. At this time, the clinical significance of this variant is uncertain due to the absence of conclusive functional and genetic evidence.